The following is an entry in ClinVar:

NM_005431.2(XRCC2):c.35C>T (p.Thr12Ile)

Gene: XRCC2 (X-ray repair cross complementing 2; minus strand). Cytogenetic location: 7q36.1.
Variant type: single nucleotide variant.
Coding change: c.35C>T on transcript NM_005431.2 (MANE Select); coding-DNA position 35, C replaced by T.
Protein change: p.Thr12Ile; replaces threonine 12 with isoleucine.
Molecular consequence: missense variant.
Genome position (GRCh38, 1-based): chr7:152,676,045, G>A on the plus strand (C>T on the coding strand, the complement: XRCC2 is on the minus strand). VCF-style: chr7-152676045-G-A. GRCh37 (hg19) VCF-style: chr7-152373130-G-A.
Other names: short protein forms T12I.
Identifiers: ClinVar variation 1733070 (VCV001733070.2), dbSNP rs2485915590, ClinGen allele CA370199576.

ClinVar aggregate classification (germline): Uncertain significance (1 of 4 stars; one submission).

Conditions:
Hereditary cancer-predisposing syndrome. Also called: Neoplastic Syndromes, Hereditary; Tumor predisposition; Hereditary Cancer Syndrome; Hereditary neoplastic syndrome. Identifiers: Orphanet 140162, MedGen C0027672, MeSH D009386, MONDO:0015356.

Submission:

Ambry Genetics
Classification: Uncertain significance for Hereditary cancer-predisposing syndrome. Last evaluated: 2021-08-19. Review status: criteria provided, single submitter. Criteria: Ambry Variant Classification Scheme 2023. Collection method: clinical testing. Allele origin: germline.
Comment: The p.T12I variant (also known as c.35C>T), located in coding exon 1 of the XRCC2 gene, results from a C to T substitution at nucleotide position 35. The threonine at codon 12 is replaced by isoleucine, an amino acid with similar properties. This amino acid position is conserved. In addition, this alteration is predicted to be tolerated by in silico analysis. Since supporting evidence is limited at this time, the clinical significance of this alteration remains unclear.